The following is an entry in ClinVar:

NM_000065.5(C6):c.1121T>G (p.Val374Gly)

Gene: C6 (complement C6; minus strand). Cytogenetic location: 5p13.1.
Variant type: single nucleotide variant.
Coding change: c.1121T>G on transcript NM_000065.5 (MANE Select); coding-DNA position 1121, T replaced by G.
Protein change: p.Val374Gly; replaces valine 374 with glycine.
Molecular consequence: missense variant.
Genome position (GRCh38, 1-based): chr5:41,176,522, A>C on the plus strand (T>G on the coding strand, the complement: C6 is on the minus strand). VCF-style: chr5-41176522-A-C. GRCh37 (hg19) VCF-style: chr5-41176624-A-C.
Other names: c.1121T>G, p.Val374Gly (NM_001115131.4); short protein forms V374G.
Identifiers: ClinVar variation 2171472 (VCV002171472.4), dbSNP rs769849491, ClinGen allele CA359600502.

ClinVar aggregate classification (germline): Uncertain significance (1 of 4 stars; one submission).

Allele frequency attached by ClinVar (database versions not stated): gnomAD 0.00001.
gnomAD v4.1: 3 of 1,613,700 alleles (0.00019%); highest among the groups gnomAD compares: African/African-American, 0.004%; no homozygotes.

Submission:

Labcorp Genetics (formerly Invitae), Labcorp
Classification: Uncertain significance. Last evaluated: 2022-08-23. Review status: criteria provided, single submitter. Criteria: Invitae Variant Classification Sherloc (09022015). Collection method: clinical testing. Allele origin: germline.
Comment: This sequence change replaces valine, which is neutral and non-polar, with glycine, which is neutral and non-polar, at codon 374 of the C6 protein (p.Val374Gly). This variant is present in population databases (no rsID available, gnomAD 0.01%). This variant has not been reported in the literature in individuals affected with C6-related conditions. Algorithms developed to predict the effect of missense changes on protein structure and function (SIFT, PolyPhen-2, Align-GVGD) all suggest that this variant is likely to be tolerated. In summary, the available evidence is currently insufficient to determine the role of this variant in disease. Therefore, it has been classified as a Variant of Uncertain Significance.